The following is an entry in ClinVar:

ClinVar aggregate classification (germline): Likely benign (1 of 4 stars; one submission).

Submission:

GeneDx
Classification: Likely benign. Last evaluated: 2016-02-03. Review status: criteria provided, single submitter. Criteria: GeneDx Variant Classification (06012015). Collection method: clinical testing. Allele origin: germline. Affected: yes.
Comment: This variant is considered likely benign or benign based on one or more of the following criteria: it is a conservative change, it occurs at a poorly conserved position in the protein, it is predicted to be benign by multiple in silico algorithms, and/or has population frequency not consistent with disease.

NM_000232.5(SGCB):c.-19C>G

Genes: SGCB (sarcoglycan beta; minus strand), LOC129992585 (ATAC-STARR-seq lymphoblastoid silent region 15421; plus strand). Cytogenetic location: 4q12.
Variant type: single nucleotide variant.
Coding change: c.-19C>G on transcript NM_000232.5 (MANE Select); 19 bases upstream of the start codon, C replaced by G.
Molecular consequence: 5 prime UTR variant.
Genome position (GRCh38, 1-based): chr4:52,038,278, G>C on the plus strand (C>G on the coding strand, the complement: SGCB is on the minus strand). VCF-style: chr4-52038278-G-C. GRCh37 (hg19) VCF-style: chr4-52904444-G-C.
Identifiers: ClinVar variation 383308 (VCV000383308.1), dbSNP rs1057521583, ClinGen allele CA16604619.